The following is an entry in ClinVar:

ClinVar aggregate classification (germline): Uncertain significance. Review status: criteria provided, multiple submitters, no conflicts (2 of 4 stars). 2 submissions from 2 submitters: Uncertain significance (2). Last evaluated 2025-01-21.

Conditions:
Inborn genetic diseases. Identifiers: MedGen C0950123, MeSH D030342.

Allele frequency attached by ClinVar (database versions not stated): gnomAD exomes below 0.00001 and 0.00001; gnomAD 0.00001; TOPMed 0.00001.

Submissions (2):

Ambry Genetics
Classification: Uncertain significance for Inborn genetic diseases. Last evaluated: 2025-01-21. Review status: criteria provided, single submitter. Criteria: Ambry Variant Classification Scheme 2023. Collection method: clinical testing. Allele origin: germline.

Labcorp Genetics (formerly Invitae), Labcorp
Classification: Uncertain significance. Last evaluated: 2022-06-20. Review status: criteria provided, single submitter. Criteria: Invitae Variant Classification Sherloc (09022015). Collection method: clinical testing. Allele origin: germline.
Comment: This sequence change replaces glycine, which is neutral and non-polar, with aspartic acid, which is acidic and polar, at codon 132 of the DRAM2 protein (p.Gly132Asp). The frequency data for this variant in the population databases is considered unreliable, as metrics indicate poor data quality at this position in the gnomAD database. This variant has not been reported in the literature in individuals affected with DRAM2-related conditions. Algorithms developed to predict the effect of missense changes on protein structure and function are either unavailable or do not agree on the potential impact of this missense change (SIFT: "Tolerated"; PolyPhen-2: "Probably Damaging"; Align-GVGD: "Class C0"). Algorithms developed to predict the effect of sequence changes on RNA splicing suggest that this variant may create or strengthen a splice site. In summary, the available evidence is currently insufficient to determine the role of this variant in disease. Therefore, it has been classified as a Variant of Uncertain Significance.

NM_001349884.2(DRAM2):c.395G>A (p.Gly132Asp)

Gene: DRAM2 (DNA damage regulated autophagy modulator 2; minus strand). Cytogenetic location: 1p13.3.
Variant type: single nucleotide variant.
Coding change: c.395G>A on transcript NM_001349884.2 (MANE Select); coding-DNA position 395, G replaced by A.
Protein change: p.Gly132Asp; replaces glycine 132 with aspartic acid.
Molecular consequence: missense variant. On other transcripts: non-coding transcript variant (8).
Genome position (GRCh38, 1-based): chr1:111,120,638, C>T on the plus strand (G>A on the coding strand, the complement: DRAM2 is on the minus strand). VCF-style: chr1-111120638-C-T. GRCh37 (hg19) VCF-style: chr1-111663260-C-T.
Other names: c.395G>A, p.Gly132Asp (NM_001349881.2, NM_001349882.2, NM_001349885.2 and 1 more transcripts); c.125G>A, p.Gly42Asp (NM_001349886.2, NM_001349887.2, NM_001349888.2); c.5G>A, p.Gly2Asp (NM_001349889.2, NM_001349890.2, NM_001349891.2 and 2 more transcripts); c.395G>A (NM_178454.4); short protein forms G132D, G42D, G2D.
Identifiers: ClinVar variation 1353755 (VCV001353755.6), dbSNP rs1010315856, ClinGen allele CA29289096.